The following is an entry in ClinVar:

ClinVar aggregate classification (germline): Uncertain significance. Review status: criteria provided, multiple submitters, no conflicts (2 of 4 stars). 3 submissions from 3 submitters: Uncertain significance (3). Last evaluated 2024-04-18.

Conditions:
Citrullinemia. Identifiers: Orphanet 187, MedGen C0175683, MONDO:0015991.
Citrullinemia type I (CTNL1). Also called: ASS DEFICIENCY; argininosuccinate synthetase deficiency. Identifiers: Orphanet 247525, MedGen C4721769, MONDO:0008988, OMIM 215700.

Allele frequency attached by ClinVar (database versions not stated): gnomAD exomes below 0.00001.
gnomAD v4.1: 5 of 1,613,370 alleles (0.00031%); highest among the groups gnomAD compares: East Asian, 0.0022%; no homozygotes.

Submissions (3):

Labcorp Genetics (formerly Invitae), Labcorp
Classification: Uncertain significance for Citrullinemia. Last evaluated: 2024-04-18. Review status: criteria provided, single submitter. Criteria: Invitae Variant Classification Sherloc (09022015). Collection method: clinical testing. Allele origin: germline.
Comment: This sequence change replaces alanine, which is neutral and non-polar, with valine, which is neutral and non-polar, at codon 47 of the ASS1 protein (p.Ala47Val). This variant is not present in population databases (gnomAD no frequency). This missense change has been observed in individual(s) with citrullinemia (PMID: 35085585). ClinVar contains an entry for this variant (Variation ID: 1446474). Advanced modeling of protein sequence and biophysical properties (such as structural, functional, and spatial information, amino acid conservation, physicochemical variation, residue mobility, and thermodynamic stability) performed at Invitae indicates that this missense variant is not expected to disrupt ASS1 protein function with a negative predictive value of 80%. In summary, the available evidence is currently insufficient to determine the role of this variant in disease. Therefore, it has been classified as a Variant of Uncertain Significance.

Women's Health and Genetics/Laboratory Corporation of America, LabCorp
Classification: Uncertain significance. Last evaluated: 2023-10-27. Review status: criteria provided, single submitter. Criteria: LabCorp Variant Classification Summary - May 2015. Collection method: clinical testing. Allele origin: germline.
Comment: Variant summary: ASS1 c.140C>T (p.Ala47Val) results in a non-conservative amino acid change located in the arginosuccinate synthase-like, N-terminal domain (IPR048267) of the encoded protein sequence. Three of five in-silico tools predict a damaging effect of the variant on protein function. The variant was absent in 250428 control chromosomes (gnomAD). c.140C>T has been reported in the literature in the homozygous state in an individual affected with Citrullinemia Type I identified through a newborn screening program (Wang_2022). These data indicate that the variant may be associated with disease. To our knowledge, no experimental evidence demonstrating an impact on protein function has been reported. The following publication has been ascertained in the context of this evaluation (PMID: 35085585). One submitter has cited a clinical-significance assessment for this variant to ClinVar after 2014 and has classified the variant as uncertain significance. Based on the evidence outlined above, the variant was classified as VUS-possibly pathogenic.

Juno Genomics, Hangzhou Juno Genomics, Inc
Classification: Uncertain significance for Citrullinemia type I. Review status: criteria provided, single submitter. Criteria: ACMG Guidelines, 2015. Collection method: clinical testing. Allele origin: germline. Affected: yes.
Comment: Absent from controls (or at extremely low frequency if recessive) in Genome Aggregation Database, Exome Sequencing Project, 1000 Genomes Project, or Exome Aggregation Consortium.;Multiple lines of computational evidence support a deleterious effect on the gene or gene product (conservation, evolutionary, splicing impact, etc).;For recessive disorders, detected in trans with a pathogenic variant.

Literature cited by the submitters: PubMed 35085585 (cited by Labcorp Genetics (formerly Invitae), Labcorp and Women's Health and Genetics/Laboratory Corporation of America, LabCorp).

NM_054012.4(ASS1):c.140C>T (p.Ala47Val)

Gene: ASS1 (argininosuccinate synthase 1; plus strand). Cytogenetic location: 9q34.11.
Variant type: single nucleotide variant.
Coding change: c.140C>T on transcript NM_054012.4 (MANE Select); coding-DNA position 140, C replaced by T.
Protein change: p.Ala47Val; replaces alanine 47 with valine.
Molecular consequence: missense variant.
Genome position (GRCh38, 1-based): chr9:130,454,339, C>T. VCF-style: chr9-130454339-C-T. GRCh37 (hg19) VCF-style: chr9-133329726-C-T.
Other names: c.140C>T, p.Ala47Val (NM_000050.4); short protein forms A47V.
Identifiers: ClinVar variation 1446474 (VCV001446474.8), dbSNP rs1301161301, ClinGen allele CA375223769.